The following is an entry in ClinVar:

NM_017849.3(TMEM127):c.-371A>G

Gene: TMEM127 (transmembrane protein 127; minus strand). Cytogenetic location: 2q11.2.
Variant type: single nucleotide variant.
Coding change: c.-371A>G on transcript NM_017849.3; 371 bases upstream of the start codon, A replaced by G.
Genome position (GRCh38, 1-based): chr2:96,266,108, T>C on the plus strand (A>G on the coding strand, the complement: TMEM127 is on the minus strand). VCF-style: chr2-96266108-T-C. GRCh37 (hg19) VCF-style: chr2-96931846-T-C.
Identifiers: ClinVar variation 677140 (VCV000677140.4), dbSNP rs2301707, ClinGen allele CA11120814.

ClinVar aggregate classification (germline): Benign. Review status: criteria provided, multiple submitters, no conflicts (2 of 4 stars). 2 submissions from 2 submitters: Benign (2). Last evaluated 2018-06-18.

Allele frequency attached by ClinVar (database versions not stated): gnomAD exomes 0.30141; TOPMed 0.22788; gnomAD 0.24593 and 0.24373; 1000 Genomes Project 30x 0.18832; 1000 Genomes Project 0.19289.

Submissions (2):

GeneDx
Classification: Benign. Last evaluated: 2018-06-18. Review status: criteria provided, single submitter. Criteria: GeneDx Variant Classification (06012015). Collection method: clinical testing. Allele origin: germline. Affected: yes.
Comment: This variant is considered likely benign or benign based on one or more of the following criteria: it is a conservative change, it occurs at a poorly conserved position in the protein, it is predicted to be benign by multiple in silico algorithms, and/or has population frequency not consistent with disease.

Breakthrough Genomics
Classification: Benign. Review status: criteria provided, single submitter. Criteria: ACMG Guidelines, 2015. Collection method: not provided. Allele origin: germline. Inheritance: Autosomal dominant inheritance. Affected: yes.